The following is an entry in ClinVar:

NM_006236.3(POU3F3):c.325_425del (p.Ala109fs)

Gene: POU3F3 (POU class 3 homeobox 3; plus strand). Cytogenetic location: 2q12.1.
Variant type: Deletion.
Coding change: c.325_425del on transcript NM_006236.3 (MANE Select); coding-DNA positions 325 to 425, 101 bases deleted.
Protein change: p.Ala109fs; shifts the reading frame from alanine 109.
Molecular consequence: frameshift variant.
Genome position (GRCh38, 1-based): chr2:104,855,835-104,855,935, 101 bases deleted. GRCh37 (hg19): chr2:105,472,293-105,472,393.
Other names: c.325_425del, p.Ala109fs (NM_001433704.1); short protein forms A109fs.
Identifiers: ClinVar variation 4818969 (VCV004818969.1).

ClinVar aggregate classification (germline): Likely pathogenic (1 of 4 stars; one submission).

Conditions:
Snijders blok-fisher syndrome. Identifiers: Orphanet 656135, MedGen C5231424, MONDO:0032830, OMIM 618604.

Submission:

Victorian Clinical Genetics Services, Murdoch Childrens Research Institute
Classification: Likely pathogenic for Snijders blok-fisher syndrome. Last evaluated: 2026-01-22. Review status: criteria provided, single submitter. Criteria: ACMG Guidelines, 2015. Collection method: clinical testing. Allele origin: germline. Affected: yes.
Comment: This variant is classified as Likely pathogenic. Evidence in support of pathogenic classification: Variant is predicted to result in an elongated protein; Variant is present in gnomAD <0.001 for a dominant condition (v4: 2 heterozygote(s), 0 homozygote(s)); Other extension variants comparable to the one identified in this case have very strong previous evidence for pathogenicity (DECIPHER, ClinVar, PMID: 31303265); Additional information: This variant is heterozygous; This gene is associated with autosomal dominant disease; This variant has no previous evidence of pathogenicity; No published evidence of segregation with disease has been identified for this variant; No published functional evidence has been identified for this variant; Variant disrupts the annotated pou domain and homeodomain (DECIPHER); Loss of function is a known mechanism of disease in this gene and is associated with Snijders Blok-Fisher syndrome (MIM#618604); Variants in this gene are known to have variable expressivity (OMIM, PMID: 31303265, 37165752).

Literature cited by the submitters: PubMed 31303265; PubMed 37165752.